The following is an entry in ClinVar:

NM_003482.4(KMT2D):c.11141G>A (p.Arg3714Lys)

Gene: KMT2D (lysine methyltransferase 2D; minus strand). Cytogenetic location: 12q13.12.
Variant type: single nucleotide variant.
Coding change: c.11141G>A on transcript NM_003482.4 (MANE Select); coding-DNA position 11141, G replaced by A.
Protein change: p.Arg3714Lys; replaces arginine 3714 with lysine.
Molecular consequence: missense variant.
Genome position (GRCh38, 1-based): chr12:49,033,564, C>T on the plus strand (G>A on the coding strand, the complement: KMT2D is on the minus strand). VCF-style: chr12-49033564-C-T. GRCh37 (hg19) VCF-style: chr12-49427347-C-T.
Other names: short protein forms R3714K.
Identifiers: ClinVar variation 94145 (VCV000094145.37), dbSNP rs186696516, ClinGen allele CA160603.

ClinVar aggregate classification (germline): Benign/Likely benign. Review status: criteria provided, multiple submitters, no conflicts (2 of 4 stars). 5 submissions from 5 submitters: Benign (3); Likely benign (1). 1 of the submissions does not count toward it. Last evaluated 2026-01-26.

Conditions:
Kabuki syndrome. Also called: NIIKAWA-KUROKI SYNDROME; Kabuki make-up syndrome. Identifiers: Orphanet 2322, MedGen C0796004, MONDO:0016512.
Kabuki syndrome 1 (KABUK1). Also called: KMT2D-Related Kabuki Syndrome. Identifiers: Orphanet 2322, MedGen CN030661, MONDO:0007843, OMIM 147920.

Allele frequency attached by ClinVar (database versions not stated): gnomAD exomes 0.00121 and 0.00313; 1000 Genomes Project 0.00140; gnomAD 0.00216 and 0.00207; TOPMed 0.00048; 1000 Genomes Project 30x 0.00141; ExAC 0.00261.
gnomAD v4.1: 2,080 of 1,613,488 alleles (0.13%); highest among the groups gnomAD compares: East Asian, 0.34%; 37 homozygotes.

Submissions (5):

Labcorp Genetics (formerly Invitae), Labcorp
Classification: Benign for Kabuki syndrome. Last evaluated: 2026-01-26. Review status: criteria provided, single submitter. Criteria: Invitae Variant Classification Sherloc (09022015). Collection method: clinical testing. Allele origin: germline.

CeGaT Center for Human Genetics Tuebingen
Classification: Benign. Last evaluated: 2024-07-01. Review status: criteria provided, single submitter. Criteria: CeGaT Center For Human Genetics Tuebingen Variant Classification Criteria Version 2. Collection method: clinical testing. Allele origin: germline. Affected: yes. Observed: 3 variant alleles.
Comment: KMT2D: BS1, BS2

Center for Human Genetics, Inc
Classification: Likely benign for Kabuki syndrome 1. Last evaluated: 2016-11-01. Review status: criteria provided, single submitter. Criteria: ACMG Guidelines, 2015. Collection method: clinical testing. Allele origin: germline. Affected: yes.

Eurofins Ntd Llc (ga)
Classification: Benign. Last evaluated: 2015-08-24. Review status: criteria provided, single submitter. Criteria: EGL Classification Definitions 2015. Collection method: clinical testing. Allele origin: germline. Observed: 1 variant allele, 1 heterozygote.

ITMI
No classification provided. Condition: AllHighlyPenetrant. Last evaluated: 2013-09-19. Review status: no classification provided. Collection method: reference population. Allele origin: germline. Not counted in ClinVar's aggregate classification.
Comment: Please see associated publication for description of ethnicities

Literature cited by the submitters: PubMed 24728327 (cited by ITMI).